The following is an entry in ClinVar:

NM_003640.5(ELP1):c.2214T>G (p.Phe738Leu)

Gene: ELP1 (elongator acetyltransferase complex subunit 1; minus strand). Cytogenetic location: 9q31.3.
Variant type: single nucleotide variant.
Coding change: c.2214T>G on transcript NM_003640.5 (MANE Select); coding-DNA position 2214, T replaced by G.
Protein change: p.Phe738Leu; replaces phenylalanine 738 with leucine.
Molecular consequence: missense variant.
Genome position (GRCh38, 1-based): chr9:108,898,740, A>C on the plus strand (T>G on the coding strand, the complement: ELP1 is on the minus strand). VCF-style: chr9-108898740-A-C. GRCh37 (hg19) VCF-style: chr9-111661020-A-C.
Other names: c.1872T>G, p.Phe624Leu (NM_001318360.2); c.1167T>G, p.Phe389Leu (NM_001330749.2); short protein forms F738L, F389L, F624L.
Identifiers: ClinVar variation 3697434 (VCV003697434.2).

ClinVar aggregate classification (germline): Uncertain significance (1 of 4 stars; one submission).

Submission:

Labcorp Genetics (formerly Invitae), Labcorp
Classification: Uncertain significance. Last evaluated: 2024-09-12. Review status: criteria provided, single submitter. Criteria: Invitae Variant Classification Sherloc (09022015). Collection method: clinical testing. Allele origin: germline.
Comment: This sequence change replaces phenylalanine, which is neutral and non-polar, with leucine, which is neutral and non-polar, at codon 738 of the ELP1 protein (p.Phe738Leu). This variant is not present in population databases (gnomAD no frequency). This variant has not been reported in the literature in individuals affected with ELP1-related conditions. Invitae Evidence Modeling of protein sequence and biophysical properties (such as structural, functional, and spatial information, amino acid conservation, physicochemical variation, residue mobility, and thermodynamic stability) indicates that this missense variant is expected to disrupt ELP1 protein function with a positive predictive value of 80%. In summary, the available evidence is currently insufficient to determine the role of this variant in disease. Therefore, it has been classified as a Variant of Uncertain Significance.